The following is an entry in ClinVar:

ClinVar aggregate classification (germline): Pathogenic. Review status: reviewed by expert panel (3 of 4 stars). 6 submissions from 6 submitters: Pathogenic (1). 5 of the submissions do not count toward it. Last evaluated 2017-12-15.

Conditions:
Inherited breast cancer and ovarian cancer.
Hereditary breast ovarian cancer syndrome. Also called: Hereditary breast and/or ovarian cancer syndrome; Hereditary breast and ovarian cancer syndrome (HBOC); Breast and ovarian cancer; Hereditary breast and ovarian cancer syndrome; Hereditary breast and ovarian cancer; BRCA1- and BRCA2-Associated Hereditary Breast and Ovarian Cancer. Identifiers: Orphanet 145, MedGen C0677776, MeSH D061325, MONDO:0003582. Disease mechanism: loss of function.
Breast-ovarian cancer, familial, susceptibility to, 2 (BROVCA2). Also called: BRCA2 Hereditary Breast and Ovarian Cancer. Identifiers: Orphanet 145, MedGen C2675520, MONDO:0012933, OMIM 612555. Disease mechanism: loss of function.
Hereditary cancer-predisposing syndrome. Also called: Hereditary neoplastic syndrome; Neoplastic Syndromes, Hereditary; Hereditary Cancer Syndrome; Tumor predisposition. Identifiers: Orphanet 140162, MedGen C0027672, MeSH D009386, MONDO:0015356.

Submissions (6):

Evidence-based Network for the Interpretation of Germline Mutant Alleles (ENIGMA)
Classification: Pathogenic for Breast-ovarian cancer, familial, susceptibility to, 2. Last evaluated: 2017-12-15. Review status: reviewed by expert panel. Criteria: ENIGMA BRCA1/2 Classification Criteria (2017-06-29). Collection method: curation. Allele origin: germline. Study: ENIGMA.
Comment: Variant allele predicted to encode a truncated non-functional protein.

Genetics Laboratory, Great Ormond Street Hospital NHS Foundation Trust, North Thames Genomic Laboratory Hub
Classification: Pathogenic for Inherited breast cancer and ovarian cancer. Last evaluated: 2026-06-30. Review status: criteria provided, single submitter. Criteria: CanVIG BRCA Gene Specific V1.22. Collection method: clinical testing. Allele origin: germline. Affected: yes. Not counted in ClinVar's aggregate classification.
Comment: PM2_supporting, PVS1_very-strong, PM5_strong

Labcorp Genetics (formerly Invitae), Labcorp
Classification: Pathogenic for Hereditary breast ovarian cancer syndrome. Last evaluated: 2025-10-07. Review status: criteria provided, single submitter. Criteria: Invitae Variant Classification Sherloc (09022015). Collection method: clinical testing. Allele origin: germline. Not counted in ClinVar's aggregate classification.
Comment: This sequence change creates a premature translational stop signal (p.Gln893Lysfs*2) in the BRCA2 gene. It is expected to result in an absent or disrupted protein product. Loss-of-function variants in BRCA2 are known to be pathogenic (PMID: 20104584). This variant is not present in population databases (gnomAD no frequency). This variant has not been reported in the literature in individuals affected with BRCA2-related conditions. ClinVar contains an entry for this variant (Variation ID: 246127). For these reasons, this variant has been classified as Pathogenic.

Quest Diagnostics Nichols Institute San Juan Capistrano
Classification: Pathogenic. Last evaluated: 2025-02-25. Review status: criteria provided, single submitter. Criteria: Quest Diagnostics criteria. Collection method: clinical testing. Allele origin: unknown. Not counted in ClinVar's aggregate classification.
Comment: The BRCA2 c.2677del (p.Gln893Lysfs*2) variant alters the translational reading frame of the BRCA2 mRNA and causes the premature termination of BRCA2 protein synthesis. This variant has been reported in the published literature in at least one individual with hereditary breast and/or ovarian cancer (PMIDs: 29470806 (2018) and 30702160 (2019)) and in an individual with prostate cancer (PMID: 36922933 (2022)). This variant has not been reported in large, multi-ethnic general populations (Genome Aggregation Database). Based on the available information, this variant is classified as pathogenic.

GeneDx
Classification: Pathogenic. Last evaluated: 2024-02-12. Review status: criteria provided, single submitter. Criteria: GeneDx Variant Classification Process June 2021. Collection method: clinical testing. Allele origin: germline. Affected: yes. Not counted in ClinVar's aggregate classification.
Comment: Frameshift variant predicted to result in protein truncation or nonsense mediated decay in a gene for which loss of function is a known mechanism of disease; Observed in individuals with a personal or family history consistent with pathogenic variants in this gene (PMID: 29470806); Truncating variants in this gene are considered pathogenic by a well-established clinical consortium and/or database; Not observed at significant frequency in large population cohorts (gnomAD); Also known as 2905del; This variant is associated with the following publications: (PMID: 23929434, 29470806)

Ambry Genetics
Classification: Pathogenic for Hereditary cancer-predisposing syndrome. Last evaluated: 2023-08-03. Review status: criteria provided, single submitter. Criteria: Ambry Variant Classification Scheme 2023. Collection method: clinical testing. Allele origin: germline. Not counted in ClinVar's aggregate classification.
Comment: The c.2677delC pathogenic mutation, located in coding exon 10 of the BRCA2 gene, results from a deletion of one nucleotide at nucleotide position 2677, causing a translational frameshift with a predicted alternate stop codon (p.Q893Kfs*2). This alteration is expected to result in loss of function by premature protein truncation or nonsense-mediated mRNA decay. As such, this alteration is interpreted as a disease-causing mutation.

Literature cited by the submitters: PubMed 20104584 (cited by Labcorp Genetics (formerly Invitae), Labcorp); PubMed 37069702 (cited by Quest Diagnostics Nichols Institute San Juan Capistrano); PubMed 36823319 (cited by Quest Diagnostics Nichols Institute San Juan Capistrano); PubMed 30702160 (cited by Quest Diagnostics Nichols Institute San Juan Capistrano); PubMed 36922933 (cited by Quest Diagnostics Nichols Institute San Juan Capistrano); PubMed 29470806 (cited by Quest Diagnostics Nichols Institute San Juan Capistrano).

NM_000059.4(BRCA2):c.2677del (p.Gln893fs)

Gene: BRCA2 (BRCA2 DNA repair associated; plus strand). Cytogenetic location: 13q13.1.
Variant type: Deletion.
Coding change: c.2677del on transcript NM_000059.4 (MANE Select); coding-DNA position 2677, one base deleted (C; older notation c.2677delC).
Protein change: p.Gln893fs; shifts the reading frame from glutamine 893.
Molecular consequence: frameshift variant.
Genome position (GRCh38, 1-based): chr13:32,337,032, C deleted; the last of 2 consecutive C bases (chr13:32,337,031-32,337,032); deleting either gives the same sequence. VCF-style (leftmost placement, unchanged base first): chr13-32337030-TC-T. GRCh37 (hg19) VCF-style: chr13-32911167-TC-T.
Other names: c.2677delC (NM_000059.3); c.2677del (NM_000059.3); short protein forms Q893fs.
Identifiers: ClinVar variation 246127 (VCV000246127.17), dbSNP rs879254111, ClinGen allele CA10584441.
Genomic context (GRCh38, chr13:32,337,030, plus strand): 5'-AAATAACTGTCAATCCAGACTCTGAAGAACTTTTCTCAGACAATGAGAATAATTTTGTCT[TC>T]CAAGTAGCTAATGAAAGGAATAATCTTGCTTTAGGAAATACTAAGGAACTTCATGAAACA-3'